The following is an entry in ClinVar:

ClinVar aggregate classification (germline): Uncertain significance. Review status: criteria provided, multiple submitters, no conflicts (2 of 4 stars). 3 submissions from 3 submitters: Uncertain significance (2). 1 of the submissions does not count toward it. Last evaluated 2024-05-09.

Conditions:
pharmacoresistant multifocal epilepsy.
Early-infantile DEE. Also called: Early infantile epileptic encephalopathy with suppression bursts; Ohtahara syndrome; Early infantile epileptic encephalopathy. Identifiers: Orphanet 1934, MedGen C0393706, MONDO:0800491.

Submissions (3):

GeneDx
Classification: Uncertain significance. Last evaluated: 2024-05-09. Review status: criteria provided, single submitter. Criteria: GeneDx Variant Classification Process June 2021. Collection method: clinical testing. Allele origin: germline.
Comment: Previously report as a maternally inherited variant in an individual with a diagnosis of borderline Dravet syndrome; however, it is unknown whether this individual was screened for variants in other genes associated with seizures (PMID: 21248271); Not observed at significant frequency in large population cohorts (gnomAD); In silico analysis supports that this missense variant has a deleterious effect on protein structure/function; This substitution is predicted to be in the cytoplasmic loop between the second and third homologous domains; This variant is associated with the following publications: (PMID: 32090326, 35074891, 21248271)

Labcorp Genetics (formerly Invitae), Labcorp
Classification: Uncertain significance for Early-infantile DEE. Last evaluated: 2023-04-14. Review status: criteria provided, single submitter. Criteria: Invitae Variant Classification Sherloc (09022015). Collection method: clinical testing. Allele origin: germline.
Comment: This sequence change replaces arginine, which is basic and polar, with lysine, which is basic and polar, at codon 1208 of the SCN1A protein (p.Arg1208Lys). This variant is not present in population databases (gnomAD no frequency). This missense change has been observed in individual(s) with clinical features of SCN1A-related conditions (PMID: 21248271). In summary, the available evidence is currently insufficient to determine the role of this variant in disease. Therefore, it has been classified as a Variant of Uncertain Significance. ClinVar contains an entry for this variant (Variation ID: 560661). Advanced modeling of protein sequence and biophysical properties (such as structural, functional, and spatial information, amino acid conservation, physicochemical variation, residue mobility, and thermodynamic stability) performed at Invitae indicates that this missense variant is expected to disrupt SCN1A protein function.

Clinical Molecular Genetics Laboratory, Johns Hopkins All Children's Hospital
Classification: Uncertain significance for pharmacoresistant multifocal epilepsy. Last evaluated: 2016-12-05. Review status: no assertion criteria provided. Collection method: clinical testing. Allele origin: germline. Affected: yes. Not counted in ClinVar's aggregate classification.

Literature cited by the submitters: PubMed 21248271 (cited by Labcorp Genetics (formerly Invitae), Labcorp).

NM_001165963.4(SCN1A):c.3623G>A (p.Arg1208Lys)

Genes: SCN1A (sodium voltage-gated channel alpha subunit 1; minus strand), LOC102724058 (uncharacterized LOC102724058; plus strand). Cytogenetic location: 2q24.3.
Variant type: single nucleotide variant.
Coding change: c.3623G>A on transcript NM_001165963.4 (MANE Select); coding-DNA position 3623, G replaced by A.
Protein change: p.Arg1208Lys; replaces arginine 1208 with lysine.
Molecular consequence: missense variant. On other transcripts: non-coding transcript variant (1).
Genome position (GRCh38, 1-based): chr2:166,013,826, C>T on the plus strand (G>A on the coding strand, the complement: SCN1A is on the minus strand). VCF-style: chr2-166013826-C-T. GRCh37 (hg19) VCF-style: chr2-166870336-C-T.
Other names: c.3539G>A, p.Arg1180Lys (NM_001165964.3, NM_001353957.2, NM_001353958.2); c.3623G>A, p.Arg1208Lys (NM_001202435.3, NM_001353948.2); c.3590G>A, p.Arg1197Lys (NM_001353949.2, NM_001353950.2, NM_001353951.2 and 2 more transcripts); c.3587G>A, p.Arg1196Lys (NM_001353954.2, NM_001353955.2); c.3536G>A, p.Arg1179Lys (NM_001353960.2); c.1181G>A, p.Arg394Lys (NM_001353961.2); short protein forms R1197K, R1208K, R1179K, R1180K, R1196K, R394K.
Identifiers: ClinVar variation 560661 (VCV000560661.9), dbSNP rs1559149025, ClinGen allele CA349056095.